The following is an entry in ClinVar:

ClinVar aggregate classification (germline): Likely benign (0 of 4 stars; one submission).

Conditions:
DIPK2B-related disorder. Also called: DIPK2B-related condition.

Allele frequency attached by ClinVar (database versions not stated): gnomAD 0.00021; TOPMed 0.00021; ExAC 0.00040; 1000 Genomes Project 0.00079; 1000 Genomes Project 30x 0.00083.
gnomAD v4.1: 126 of 1,210,419 alleles (0.01%); highest among the groups gnomAD compares: East Asian, 0.33%; 1 homozygote.

Submission:

PreventionGenetics, part of Exact Sciences
Classification: Likely benign for DIPK2B-related condition. Last evaluated: 2023-06-08. Review status: no assertion criteria provided. Collection method: clinical testing. Allele origin: germline.
Comment: This variant is classified as likely benign based on ACMG/AMP sequence variant interpretation guidelines (Richards et al. 2015 PMID: 25741868, with internal and published modifications).

NM_176819.4(DIPK2B):c.1171G>C (p.Asp391His)

Gene: DIPK2B (divergent protein kinase domain 2B; minus strand). Cytogenetic location: Xp11.3.
Variant type: single nucleotide variant.
Coding change: c.1171G>C on transcript NM_176819.4 (MANE Select); coding-DNA position 1171, G replaced by C.
Protein change: p.Asp391His; replaces aspartic acid 391 with histidine.
Molecular consequence: missense variant.
Genome position (GRCh38, 1-based): chrX:45,151,783, C>G on the plus strand (G>C on the coding strand, the complement: DIPK2B is on the minus strand). VCF-style: chrX-45151783-C-G. GRCh37 (hg19) VCF-style: chrX-45011028-C-G.
Other names: short protein forms D391H.
Identifiers: ClinVar variation 3054407 (VCV003054407.2), dbSNP rs201729915, ClinGen allele CA10392861.